The following is an entry in ClinVar:

ClinVar aggregate classification (germline): Likely benign (1 of 4 stars; one submission).

Conditions:
Spinocerebellar ataxia type 35. Identifiers: Orphanet 276193, MedGen C3888031, MONDO:0013485, OMIM 613908.

Allele frequency attached by ClinVar (database versions not stated): gnomAD 0.00001; TOPMed 0.00002; gnomAD exomes 0.00003 and 0.00008; ExAC 0.00011.
gnomAD v4.1: 48 of 1,613,492 alleles (0.003%); highest among the groups gnomAD compares: East Asian, 0.1%; no homozygotes.

Submission:

Illumina Laboratory Services, Illumina
Classification: Likely benign for Spinocerebellar ataxia type 35. Last evaluated: 2018-01-13. Review status: criteria provided, single submitter. Criteria: ICSL Variant Classification Criteria 13 December 2019. Collection method: clinical testing. Allele origin: germline.
Comment: This variant was observed in the ICSL laboratory as part of a predisposition screen in an ostensibly healthy population. It had not been previously curated by ICSL or reported in the Human Gene Mutation Database (HGMD: prior to June 1st, 2018), and was therefore a candidate for classification through an automated scoring system. Utilizing variant allele frequency, disease prevalence and penetrance estimates, and inheritance mode, an automated score was calculated to assess if this variant is too frequent to cause the disease. Based on the score and internal cut-off values, a variant classified as likely benign is not then subjected to further curation. The score for this variant resulted in a classification of likely benign for this disease.

NM_198994.3(TGM6):c.1478C>T (p.Pro493Leu)

Gene: TGM6 (transglutaminase 6; plus strand). Cytogenetic location: 20p13.
Variant type: single nucleotide variant.
Coding change: c.1478C>T on transcript NM_198994.3 (MANE Select); coding-DNA position 1478, C replaced by T.
Protein change: p.Pro493Leu; replaces proline 493 with leucine.
Molecular consequence: missense variant.
Genome position (GRCh38, 1-based): chr20:2,417,373, C>T. VCF-style: chr20-2417373-C-T. GRCh37 (hg19) VCF-style: chr20-2398019-C-T.
Other names: c.1478C>T, p.Pro493Leu (NM_001254734.2); short protein forms P493L.
Identifiers: ClinVar variation 898452 (VCV000898452.4), dbSNP rs776319756, ClinGen allele CA9732111.